The following is an entry in ClinVar:

ClinVar aggregate classification (germline): Uncertain significance (1 of 4 stars; one submission).

Allele frequency attached by ClinVar (database versions not stated): gnomAD exomes below 0.00001; TOPMed 0.00001.
gnomAD v4.1: 1 of 1,524,832 alleles (0.000066%); highest among the groups gnomAD compares: Admixed American, 0.0017%; no homozygotes.

Submission:

Labcorp Genetics (formerly Invitae), Labcorp
Classification: Uncertain significance. Last evaluated: 2023-10-20. Review status: criteria provided, single submitter. Criteria: Invitae Variant Classification Sherloc (09022015). Collection method: clinical testing. Allele origin: germline.
Comment: This sequence change falls in intron 23 of the KMT2A gene. It does not directly change the encoded amino acid sequence of the KMT2A protein. It affects a nucleotide within the consensus splice site. This variant is not present in population databases (gnomAD no frequency). This variant has not been reported in the literature in individuals affected with KMT2A-related conditions. Variants that disrupt the consensus splice site are a relatively common cause of aberrant splicing (PMID: 17576681, 9536098). Algorithms developed to predict the effect of sequence changes on RNA splicing suggest that this variant is not likely to affect RNA splicing. In summary, the available evidence is currently insufficient to determine the role of this variant in disease. Therefore, it has been classified as a Variant of Uncertain Significance.

Literature cited by the submitters: PubMed 17576681; PubMed 9536098.

NM_001197104.2(KMT2A):c.6079+6A>G

Gene: KMT2A (lysine methyltransferase 2A; plus strand). Cytogenetic location: 11q23.3.
Variant type: single nucleotide variant.
Coding change: c.6079+6A>G on transcript NM_001197104.2 (MANE Select); 6 bases into the intron after coding-DNA position 6079, A replaced by G.
Molecular consequence: intron variant.
Genome position (GRCh38, 1-based): chr11:118,499,426, A>G. VCF-style: chr11-118499426-A-G. GRCh37 (hg19) VCF-style: chr11-118370141-A-G.
Other names: c.6169+6A>G (NM_001412597.1); c.6070+6A>G (NM_005933.4).
Identifiers: ClinVar variation 2964797 (VCV002964797.3), dbSNP rs1950463227, ClinGen allele CA2003523311.